The following is an entry in ClinVar:

ClinVar aggregate classification (germline): Likely pathogenic (1 of 4 stars; one submission).

Conditions:
Long QT syndrome 1 (LQT1). Identifiers: Orphanet 101016, Orphanet 768, MedGen C4551647, MONDO:0100316, OMIM 192500, MONDO:0008646.

Submission:

Laboratory of Medical Genetics, National & Kapodistrian University of Athens
Classification: Likely pathogenic for Long QT syndrome 1. Last evaluated: 2022-08-23. Review status: criteria provided, single submitter. Criteria: ACMG Guidelines, 2015. Collection method: clinical testing. Allele origin: germline. Affected: yes.
Comment: PVS1, PM2

NM_000218.3(KCNQ1):c.1459G>T (p.Glu487Ter)

Genes: KCNQ1OT1 (KCNQ1 opposite strand/antisense transcript 1; minus strand), KCNQ1 (potassium voltage-gated channel subfamily Q member 1; plus strand). Cytogenetic location: 11p15.5.
Variant type: single nucleotide variant.
Coding change: c.1459G>T on transcript NM_000218.3 (MANE Select); coding-DNA position 1459, G replaced by T.
Protein change: p.Glu487Ter; replaces glutamic acid 487 with a stop codon.
Molecular consequence: nonsense.
Genome position (GRCh38, 1-based): chr11:2,662,026, G>T. VCF-style: chr11-2662026-G-T. GRCh37 (hg19) VCF-style: chr11-2683256-G-T.
Other names: c.1363G>T, p.Glu455Ter (NM_001406836.1); c.1189G>T, p.Glu397Ter (NM_001406837.1); c.919G>T, p.Glu307Ter (NM_001406838.1); c.1078G>T, p.Glu360Ter (NM_181798.2); short protein forms E307*, E360*, E397*, E455*, E487*.
Identifiers: ClinVar variation 1708065 (VCV001708065.1), dbSNP rs1205552952, ClinGen allele CA379479619.
Genomic context (GRCh38, chr11:2,662,026, plus strand): 5'-AAGAGCCCAACACTGCTGGAAGTGAGCATGCCCCATTTCATGAGAACCAACAGCTTCGCC[G>T]AGGACCTGGACCTGGAAGGGGAGACTCTGCTGACACCCATCACCCACATCTCACAGTGAG-3'